The following is an entry in ClinVar:

ClinVar aggregate classification (germline): Uncertain significance (1 of 4 stars; one submission).

Conditions:
Familial cancer of breast. Also called: Hereditary breast cancer; BREAST CANCER, FAMILIAL; hereditary breast carcinoma. Identifiers: Orphanet 227535, MedGen C0346153, MONDO:0016419, OMIM 114480. Disease mechanism: loss of function.

Submission:

Labcorp Genetics (formerly Invitae), Labcorp
Classification: Uncertain significance for Familial cancer of breast. Last evaluated: 2023-04-10. Review status: criteria provided, single submitter. Criteria: Invitae Variant Classification Sherloc (09022015). Collection method: clinical testing. Allele origin: germline.
Comment: In summary, the available evidence is currently insufficient to determine the role of this variant in disease. Therefore, it has been classified as a Variant of Uncertain Significance. Variants that disrupt the consensus splice site are a relatively common cause of aberrant splicing (PMID: 17576681, 9536098). Algorithms developed to predict the effect of sequence changes on RNA splicing suggest that this variant may disrupt the consensus splice site. This variant has not been reported in the literature in individuals affected with CHEK2-related conditions. This variant is not present in population databases (gnomAD no frequency). This sequence change falls in intron 11 of the CHEK2 gene. It does not directly change the encoded amino acid sequence of the CHEK2 protein. It affects a nucleotide within the consensus splice site.

Literature cited by the submitters: PubMed 17576681; PubMed 9536098.

NM_007194.4(CHEK2):c.1259+3A>T

Gene: CHEK2 (checkpoint kinase 2; minus strand). Cytogenetic location: 22q12.1.
Variant type: single nucleotide variant.
Coding change: c.1259+3A>T on transcript NM_007194.4 (MANE Select); 3 bases into the intron after coding-DNA position 1259, A replaced by T.
Molecular consequence: intron variant.
Genome position (GRCh38, 1-based): chr22:28,695,707, T>A on the plus strand (A>T on the coding strand, the complement: CHEK2 is on the minus strand). VCF-style: chr22-28695707-T-A. GRCh37 (hg19) VCF-style: chr22-29091695-T-A.
Other names: c.596+3A>T (NM_001437942.1, NM_001257387.3); c.1058+3A>T (NM_001349956.3); c.1172+3A>T (NM_145862.3); c.1265+3A>T (NM_001438295.1); c.1352+3A>T (NM_001438293.1); c.1301+3A>T (NM_001438294.1); c.1388+3A>T (NM_001005735.3).
Identifiers: ClinVar variation 2854748 (VCV002854748.3), dbSNP rs768691252, ClinGen allele CA2739265679.